The following is an entry in ClinVar:

NM_003748.4(ALDH4A1):c.740G>A (p.Arg247His)

Gene: ALDH4A1 (aldehyde dehydrogenase 4 family member A1; minus strand). Cytogenetic location: 1p36.13.
Variant type: single nucleotide variant.
Coding change: c.740G>A on transcript NM_003748.4 (MANE Select); coding-DNA position 740, G replaced by A.
Protein change: p.Arg247His; replaces arginine 247 with histidine.
Molecular consequence: missense variant.
Genome position (GRCh38, 1-based): chr1:18,881,826, C>T on the plus strand (G>A on the coding strand, the complement: ALDH4A1 is on the minus strand). VCF-style: chr1-18881826-C-T. GRCh37 (hg19) VCF-style: chr1-19208320-C-T.
Other names: c.560G>A, p.Arg187His (NM_001161504.2); c.740G>A, p.Arg247His (NM_001319218.2, NM_170726.3); short protein forms R187H, R247H.
Identifiers: ClinVar variation 1327825 (VCV001327825.6), dbSNP rs558761793, ClinGen allele CA338755819.

ClinVar aggregate classification (germline): Uncertain significance. Review status: criteria provided, multiple submitters, no conflicts (2 of 4 stars). 2 submissions from 2 submitters: Uncertain significance (2). Last evaluated 2022-10-31.

Conditions:
Hyperprolinemia type 2 (HYRPRO2). Also called: Deficiency of pyrroline-5-carboxylate reductase; Delta-1-pyrroline-5-carboxylate dehydrogenase deficiency; 1-PYRROLINE-5-CARBOXYLATE DEHYDROGENASE DEFICIENCY. Identifiers: Orphanet 79101, MedGen C2931835, MONDO:0009401, OMIM 239510.

gnomAD v4.1: 4 of 1,613,860 alleles (0.00025%); highest among the groups gnomAD compares: Non-Finnish European, 0.00034%; no homozygotes.

Submissions (2):

Labcorp Genetics (formerly Invitae), Labcorp
Classification: Uncertain significance for Hyperprolinemia type 2. Last evaluated: 2022-10-31. Review status: criteria provided, single submitter. Criteria: Invitae Variant Classification Sherloc (09022015). Collection method: clinical testing. Allele origin: germline.
Comment: This sequence change replaces arginine, which is basic and polar, with histidine, which is basic and polar, at codon 247 of the ALDH4A1 protein (p.Arg247His). This variant is present in population databases (no rsID available, gnomAD 0.0009%). This variant has not been reported in the literature in individuals affected with ALDH4A1-related conditions. ClinVar contains an entry for this variant (Variation ID: 1327825). Algorithms developed to predict the effect of missense changes on protein structure and function (SIFT, PolyPhen-2, Align-GVGD) all suggest that this variant is likely to be tolerated. In summary, the available evidence is currently insufficient to determine the role of this variant in disease. Therefore, it has been classified as a Variant of Uncertain Significance.

GeneDx
Classification: Uncertain significance. Last evaluated: 2021-12-08. Review status: criteria provided, single submitter. Criteria: GeneDx Variant Classification Process June 2021. Collection method: clinical testing. Allele origin: germline. Affected: yes.
Comment: Not observed at significant frequency in large population cohorts (Lek et al., 2016); In silico analysis supports that this missense variant does not alter protein structure/function; Has not been previously published as pathogenic or benign to our knowledge